The following is an entry in ClinVar:

ClinVar aggregate classification (germline): Uncertain significance (1 of 4 stars; one submission).

Submission:

Labcorp Genetics (formerly Invitae), Labcorp
Classification: Uncertain significance. Last evaluated: 2024-07-11. Review status: criteria provided, single submitter. Criteria: Invitae Variant Classification Sherloc (09022015). Collection method: clinical testing. Allele origin: germline.
Comment: This variant, c.2448_2453del, is a complex sequence change that results in the deletion of 3 and insertion of 1 amino acid(s) in the ROR2 protein (p.Gln816_Tyr818delinsHis). This variant is not present in population databases (gnomAD no frequency). This variant has not been reported in the literature in individuals affected with ROR2-related conditions. Experimental studies and prediction algorithms are not available or were not evaluated, and the functional significance of this variant is currently unknown. In summary, the available evidence is currently insufficient to determine the role of this variant in disease. Therefore, it has been classified as a Variant of Uncertain Significance.

NM_004560.4(ROR2):c.2448_2453del (p.Gln816_Tyr818delinsHis)

Gene: ROR2 (receptor tyrosine kinase like orphan receptor 2; minus strand). Cytogenetic location: 9q22.31.
Variant type: Deletion.
Coding change: c.2448_2453del on transcript NM_004560.4 (MANE Select); coding-DNA positions 2448 to 2453, 6 bases deleted (GCTCTA; older notation c.2448_2453delGCTCTA).
Protein change: p.Gln816_Tyr818delinsHis.
Molecular consequence: inframe indel.
Genome position (GRCh38, 1-based): chr9:91,724,041-91,724,046, TAGAGC deleted on the plus strand (GCTCTA on the coding strand, the reverse complement: ROR2 is on the minus strand); deleting any 6 consecutive bases within chr9:91,724,041-91,724,047 gives the same sequence; the c. name uses the placement nearest the transcript's 3' end. VCF-style (leftmost placement, unchanged base first): chr9-91724040-GTAGAGC-G. GRCh37 (hg19) VCF-style: chr9-94486322-GTAGAGC-G.
Identifiers: ClinVar variation 3659303 (VCV003659303.2).